The following is an entry in ClinVar:

NM_001278509.3(ZNF180):c.1062T>C (p.Tyr354=)

Genes: ZNF180 (zinc finger protein 180; minus strand), LOC129391119 (MPRA-validated peak3500 silencer; plus strand). Cytogenetic location: 19q13.31.
Variant type: single nucleotide variant.
Coding change: c.1062T>C on transcript NM_001278509.3 (MANE Select); coding-DNA position 1062, T replaced by C.
Protein change: p.Tyr354=; no amino-acid change (tyrosine 354 retained).
Molecular consequence: synonymous variant.
Genome position (GRCh38, 1-based): chr19:44,477,338, A>G on the plus strand (T>C on the coding strand, the complement: ZNF180 is on the minus strand). VCF-style: chr19-44477338-A-G. GRCh37 (hg19) VCF-style: chr19-44981555-A-G.
Other names: c.114T>C, p.Tyr38= (NM_001288760.3, NM_001288761.3, NM_001288762.3); c.1062T>C, p.Tyr354= (NM_001291633.2); c.1143T>C, p.Tyr381= (NM_013256.7); c.1068T>C, p.Tyr356= (NM_001278508.4); c.1140T>C, p.Tyr380= (NM_001288759.4).
Identifiers: ClinVar variation 2650083 (VCV002650083.24), dbSNP rs367716460, ClinGen allele CA9501154.

ClinVar aggregate classification (germline): Likely benign (1 of 4 stars; one submission).

Allele frequency attached by ClinVar (database versions not stated): 1000 Genomes Project 0.00020; gnomAD exomes 0.00030; 1000 Genomes Project 30x 0.00031; ESP Exome Variant Server 0.00031; ExAC 0.00035; gnomAD 0.00067; TOPMed 0.00093.
gnomAD v4.1: 580 of 1,612,440 alleles (0.036%); highest among the groups gnomAD compares: Middle Eastern, 0.28%; 1 homozygote.

Submission:

CeGaT Center for Human Genetics Tuebingen
Classification: Likely benign. Last evaluated: 2022-09-01. Review status: criteria provided, single submitter. Criteria: CeGaT Center For Human Genetics Tuebingen Variant Classification Criteria Version 2. Collection method: clinical testing. Allele origin: germline. Affected: yes. Observed: 1 variant allele.
Comment: ZNF180: BP4, BP7